The following is an entry in ClinVar:

ClinVar aggregate classification (germline): Benign/Likely benign. Review status: criteria provided, multiple submitters, no conflicts (2 of 4 stars). 10 submissions from 9 submitters: Benign (7); Likely benign (1). 2 of the submissions do not count toward it. Last evaluated 2026-02-04.

Conditions:
Glycogen storage disease, type IV (GSD4). Also called: Glycogen storage disease due to glycogen branching enzyme deficiency; AMYLOPECTINOSIS; ANDERSEN DISEASE; BRANCHER DEFICIENCY; CIRRHOSIS, FAMILIAL, WITH DEPOSITION OF ABNORMAL GLYCOGEN; GBE1 DEFICIENCY. Identifiers: Orphanet 367, MedGen C0017923, MONDO:0009292, OMIM 232500.
Glycogen storage disease IV, classic hepatic. Also called: GSD IV, CLASSIC HEPATIC. Identifiers: MedGen C1856301.
Adult polyglucosan body disease (APBN). Also called: GBE1-Adult Polyglucosan Body Disease; POLYGLUCOSAN BODY DISEASE, ADULT FORM. Identifiers: Orphanet 206583, MedGen C1849722, MONDO:0009897, OMIM 263570.

Allele frequency attached by ClinVar (database versions not stated): ESP Exome Variant Server 0.01662; gnomAD exomes 0.00365; ExAC 0.00468; 1000 Genomes Project 30x 0.01468; gnomAD 0.01494 and 0.01610; 1000 Genomes Project 0.01538; TOPMed 0.01691.
gnomAD v4.1: 4,435 of 1,591,780 alleles (0.28%); highest among the groups gnomAD compares: African/African-American, 5.3%; 114 homozygotes.

Submissions (10):

Labcorp Genetics (formerly Invitae), Labcorp
Classification: Benign for Glycogen storage disease, type IV; Glycogen storage disease IV, classic hepatic. Last evaluated: 2026-02-04. Review status: criteria provided, single submitter. Criteria: Invitae Variant Classification Sherloc (09022015). Collection method: clinical testing. Allele origin: germline.

ARUP Laboratories, Molecular Genetics and Genomics, ARUP Laboratories
Classification: Benign. Last evaluated: 2025-02-28. Review status: criteria provided, single submitter. Criteria: ARUP Molecular Germline Variant Investigation Process 2024. Collection method: clinical testing. Allele origin: germline.

Fulgent Genetics
Classification: Likely benign for Glycogen storage disease, type IV; Adult polyglucosan body disease. Last evaluated: 2021-10-08. Review status: criteria provided, single submitter. Criteria: ACMG Guidelines, 2015. Collection method: clinical testing. Allele origin: unknown.

Illumina Laboratory Services, Illumina
Classification: Benign for Glycogen storage disease, type IV. Last evaluated: 2018-01-13. Review status: criteria provided, single submitter. Criteria: ICSL Variant Classification Criteria 13 December 2019. Collection method: clinical testing. Allele origin: germline.
Comment: This variant was observed in the ICSL laboratory as part of a predisposition screen in an ostensibly healthy population. It had not been previously curated by ICSL or reported in the Human Gene Mutation Database (HGMD: prior to June 1st, 2018), and was therefore a candidate for classification through an automated scoring system. Utilizing variant allele frequency, disease prevalence and penetrance estimates, and inheritance mode, an automated score was calculated to assess if this variant is too frequent to cause the disease. Based on the score and internal cut-off values, a variant classified as benign is not then subjected to further curation. The score for this variant resulted in a classification of benign for this disease.

Illumina Laboratory Services, Illumina
Classification: Benign for Adult polyglucosan body disease. Last evaluated: 2018-01-13. Review status: criteria provided, single submitter. Criteria: ICSL Variant Classification Criteria 13 December 2019. Collection method: clinical testing. Allele origin: germline.
Comment: the same text as in the submission from Illumina Laboratory Services, Illumina above.

GeneDx
Classification: Benign. Last evaluated: 2016-03-21. Review status: criteria provided, single submitter. Criteria: GeneDx Variant Classification (06012015). Collection method: clinical testing. Allele origin: germline. Affected: yes.
Comment: This variant is considered likely benign or benign based on one or more of the following criteria: it is a conservative change, it occurs at a poorly conserved position in the protein, it is predicted to be benign by multiple in silico algorithms, and/or has population frequency not consistent with disease.

Breakthrough Genomics
Classification: Benign. Review status: criteria provided, single submitter. Criteria: ACMG Guidelines, 2015. Collection method: not provided. Allele origin: germline. Inheritance: Autosomal recessive inheritance. Affected: yes.

PreventionGenetics, part of Exact Sciences
Classification: Benign. Review status: criteria provided, single submitter. Criteria: ACMG Guidelines, 2015. Collection method: clinical testing. Allele origin: germline.

Natera, Inc.
Classification: Benign for Glycogen storage disease type IV. Last evaluated: 2020-09-16. Review status: no assertion criteria provided. Collection method: clinical testing. Allele origin: germline. Not counted in ClinVar's aggregate classification.

Mayo Clinic Laboratories, Mayo Clinic
Classification: Benign. Last evaluated: 2017-05-17. Review status: no assertion criteria provided. Collection method: clinical testing. Allele origin: unknown. Not counted in ClinVar's aggregate classification.

NM_000158.4(GBE1):c.1716C>T (p.Asp572=)

Gene: GBE1 (1,4-alpha-glucan branching enzyme 1; minus strand). Cytogenetic location: 3p12.2.
Variant type: single nucleotide variant.
Coding change: c.1716C>T on transcript NM_000158.4 (MANE Select); coding-DNA position 1716, C replaced by T.
Protein change: p.Asp572=; no amino-acid change (aspartic acid 572 retained).
Molecular consequence: synonymous variant.
Genome position (GRCh38, 1-based): chr3:81,536,998, G>A on the plus strand (C>T on the coding strand, the complement: GBE1 is on the minus strand). VCF-style: chr3-81536998-G-A. GRCh37 (hg19) VCF-style: chr3-81586149-G-A.
Identifiers: ClinVar variation 255385 (VCV000255385.24), dbSNP rs2229520, ClinGen allele CA2499585.